The following is an entry in ClinVar:

ClinVar aggregate classification (germline): Uncertain significance (1 of 4 stars; one submission).

Submission:

GeneDx
Classification: Uncertain significance. Last evaluated: 2022-05-10. Review status: criteria provided, single submitter. Criteria: GeneDx Variant Classification Process June 2021. Collection method: clinical testing. Allele origin: germline. Affected: yes.
Comment: Not observed at significant frequency in large population cohorts (gnomAD); In silico analysis supports that this missense variant has a deleterious effect on protein structure/function; Has not been previously published as pathogenic or benign to our knowledge

NM_000875.5(IGF1R):c.208T>G (p.Tyr70Asp)

Gene: IGF1R (insulin like growth factor 1 receptor; plus strand). Cytogenetic location: 15q26.3.
Variant type: single nucleotide variant.
Coding change: c.208T>G on transcript NM_000875.5 (MANE Select); coding-DNA position 208, T replaced by G.
Protein change: p.Tyr70Asp; replaces tyrosine 70 with aspartic acid.
Molecular consequence: missense variant.
Genome position (GRCh38, 1-based): chr15:98,707,675, T>G. VCF-style: chr15-98707675-T-G. GRCh37 (hg19) VCF-style: chr15-99250904-T-G.
Other names: c.208T>G, p.Tyr70Asp (NM_001291858.2); short protein forms Y70D.
Identifiers: ClinVar variation 1723512 (VCV001723512.2), dbSNP rs1567086828, ClinGen allele CA393696770.